The following is an entry in ClinVar:

ClinVar aggregate classification (germline): Uncertain significance (1 of 4 stars; one submission).

gnomAD v4.1: 1 of 1,614,046 alleles (0.000062%); highest among the groups gnomAD compares: Non-Finnish European, 0.000085%; no homozygotes.

Submission:

Labcorp Genetics (formerly Invitae), Labcorp
Classification: Uncertain significance. Last evaluated: 2021-05-10. Review status: criteria provided, single submitter. Criteria: Invitae Variant Classification Sherloc (09022015). Collection method: clinical testing. Allele origin: germline.
Comment: In summary, the available evidence is currently insufficient to determine the role of this variant in disease. Therefore, it has been classified as a Variant of Uncertain Significance. This sequence change replaces aspartic acid with glycine at codon 287 of the POLE protein (p.Asp287Gly). The aspartic acid residue is highly conserved and there is a moderate physicochemical difference between aspartic acid and glycine. This variant is not present in population databases (ExAC no frequency). This variant has not been reported in the literature in individuals with POLE-related conditions. Algorithms developed to predict the effect of missense changes on protein structure and function (SIFT, PolyPhen-2, Align-GVGD) all suggest that this variant is likely to be disruptive, but these predictions have not been confirmed by published functional studies and their clinical significance is uncertain.

NM_006231.4(POLE):c.860A>G (p.Asp287Gly)

Gene: POLE (DNA polymerase epsilon, catalytic subunit; minus strand). Cytogenetic location: 12q24.33.
Variant type: single nucleotide variant.
Coding change: c.860A>G on transcript NM_006231.4 (MANE Select); coding-DNA position 860, A replaced by G.
Protein change: p.Asp287Gly; replaces aspartic acid 287 with glycine.
Molecular consequence: missense variant.
Genome position (GRCh38, 1-based): chr12:132,676,595, T>C on the plus strand (A>G on the coding strand, the complement: POLE is on the minus strand). VCF-style: chr12-132676595-T-C. GRCh37 (hg19) VCF-style: chr12-133253181-T-C.
Other names: short protein forms D287G.
Identifiers: ClinVar variation 1485145 (VCV001485145.8), dbSNP rs2136015843, ClinGen allele CA387364270.